The following is an entry in ClinVar:

NM_003743.5(NCOA1):c.1727A>C (p.Gln576Pro)

Gene: NCOA1 (nuclear receptor coactivator 1; plus strand). Cytogenetic location: 2p23.3.
Variant type: single nucleotide variant.
Coding change: c.1727A>C on transcript NM_003743.5 (MANE Select); coding-DNA position 1727, A replaced by C.
Protein change: p.Gln576Pro; replaces glutamine 576 with proline.
Molecular consequence: missense variant.
Genome position (GRCh38, 1-based): chr2:24,707,197, A>C. VCF-style: chr2-24707197-A-C. GRCh37 (hg19) VCF-style: chr2-24930066-A-C.
Other names: c.1727A>C, p.Gln576Pro (NM_001362950.1, NM_001362952.1, NM_001362954.1 and 3 more transcripts); short protein forms Q576P.
Identifiers: ClinVar variation 2634345 (VCV002634345.4), dbSNP rs759076764, ClinGen allele CA346049377.

ClinVar aggregate classification (germline): Uncertain significance. Review status: criteria provided, single submitter (1 of 4 stars). 2 submissions from 2 submitters: Uncertain significance (1). 1 of the submissions does not count toward it. Last evaluated 2024-09-02.

Conditions:
NCOA1-related disorder. Also called: NCOA1-related condition.

Allele frequency attached by ClinVar (database versions not stated): TOPMed 0.00002; gnomAD 0.00003; gnomAD exomes 0.00004.
gnomAD v4.1: 65 of 1,614,068 alleles (0.004%); highest among the groups gnomAD compares: Non-Finnish European, 0.0054%; no homozygotes.

Submissions (2):

Ambry Genetics
Classification: Uncertain significance. Last evaluated: 2024-09-02. Review status: criteria provided, single submitter. Criteria: Ambry Variant Classification Scheme 2023. Collection method: clinical testing. Allele origin: germline.

PreventionGenetics, part of Exact Sciences
Classification: Uncertain significance for NCOA1-related condition. Last evaluated: 2024-01-18. Review status: no assertion criteria provided. Collection method: clinical testing. Allele origin: germline. Not counted in ClinVar's aggregate classification.
Comment: The NCOA1 c.1727A>C variant is predicted to result in the amino acid substitution p.Gln576Pro. To our knowledge, this variant has not been reported in the literature. This variant is reported in 0.013% of alleles in individuals of European (Non-Finnish) descent in gnomAD. At this time, the clinical significance of this variant is uncertain due to the absence of conclusive functional and genetic evidence.